The following is an entry in ClinVar:

ClinVar aggregate classification (germline): Uncertain significance (1 of 4 stars; one submission).

Submission:

CeGaT Center for Human Genetics Tuebingen
Classification: Uncertain significance. Last evaluated: 2023-08-01. Review status: criteria provided, single submitter. Criteria: CeGaT Center For Human Genetics Tuebingen Variant Classification Criteria Version 2. Collection method: clinical testing. Allele origin: germline. Affected: yes. Observed: 1 variant allele.
Comment: ANKRD11: PM2, BP4

NM_013275.6(ANKRD11):c.4892G>T (p.Arg1631Leu)

Gene: ANKRD11 (ankyrin repeat domain 11; minus strand). Cytogenetic location: 16q24.3.
Variant type: single nucleotide variant.
Coding change: c.4892G>T on transcript NM_013275.6 (MANE Select); coding-DNA position 4892, G replaced by T.
Protein change: p.Arg1631Leu; replaces arginine 1631 with leucine.
Molecular consequence: missense variant.
Genome position (GRCh38, 1-based): chr16:89,281,650, C>A on the plus strand (G>T on the coding strand, the complement: ANKRD11 is on the minus strand). VCF-style: chr16-89281650-C-A. GRCh37 (hg19) VCF-style: chr16-89348058-C-A.
Other names: c.4892G>T, p.Arg1631Leu (NM_001256182.2, NM_001256183.2); short protein forms R1631L.
Identifiers: ClinVar variation 2647074 (VCV002647074.24), dbSNP rs886568838, ClinGen allele CA397156504.